The following is an entry in ClinVar:

NM_001256789.3(CACNA1F):c.943A>T (p.Asn315Tyr)

Gene: CACNA1F (calcium voltage-gated channel subunit alpha1 F; minus strand). Cytogenetic location: Xp11.23.
Variant type: single nucleotide variant.
Coding change: c.943A>T on transcript NM_001256789.3 (MANE Select); coding-DNA position 943, A replaced by T.
Protein change: p.Asn315Tyr; replaces asparagine 315 with tyrosine.
Molecular consequence: missense variant.
Genome position (GRCh38, 1-based): chrX:49,228,322, T>A on the plus strand (A>T on the coding strand, the complement: CACNA1F is on the minus strand). VCF-style: chrX-49228322-T-A. GRCh37 (hg19) VCF-style: chrX-49084784-T-A.
Other names: c.748A>T, p.Asn250Tyr (NM_001256790.3); c.943A>T, p.Asn315Tyr (NM_005183.4); short protein forms N250Y, N315Y.
Identifiers: ClinVar variation 5018656 (VCV005018656.2).
Genomic context (GRCh38, chrX:49,228,322, plus strand): 5'-CATCGGTCCAGCCTTCCATGGTGACACACTGGAAGACTGTCAGCATGGCGAAGAAGAAGT[T>A]GTCAAAGTTGGTGATGCCTCCATTGGGCCCTGGCCAGCGCCCGCGGCACTCAGTCTGGTT-3'
Protein context (NP_001243718.1, residues 305-325): GPNGGITNFD[Asn315Tyr]FFFAMLTVFQ

ClinVar aggregate classification (germline): Uncertain significance (1 of 4 stars; one submission).

Conditions:
Aland island eye disease (AIED). Also called: Forsius Eriksson type ocular albinism. Identifiers: Orphanet 178333, MedGen C0268505, MONDO:0010371, OMIM 300600.
Congenital stationary night blindness 2A (CSNB2A). Also called: NIGHT BLINDNESS, CONGENITAL STATIONARY, TYPE 2; Night blindness, congenital stationary (incomplete), 2A, X-linked; CACNA1F-Related X-Linked Congenital Stationary Night Blindness; CSNB, INCOMPLETE, X-LINKED. Identifiers: Orphanet 215, MedGen C1848172, MONDO:0010241, OMIM 300071.
X-linked cone-rod dystrophy 3 (CORDX3). Identifiers: Orphanet 1872, MedGen C1845407, MONDO:0010335, OMIM 300476.

Submission:

Juno Genomics, Hangzhou Juno Genomics, Inc
Classification: Uncertain significance for Aland island eye disease; X-linked cone-rod dystrophy 3; Congenital stationary night blindness 2A. Review status: criteria provided, single submitter. Criteria: ACMG Guidelines, 2015. Collection method: clinical testing. Allele origin: germline.
Comment: Absent from controls (or at extremely low frequency if recessive) in Genome Aggregation Database.;Multiple lines of computational evidence support a deleterious effect on the gene or gene product.